The following is an entry in ClinVar:

NM_032620.4(GTPBP3):c.1A>G (p.Met1Val)

Gene: GTPBP3 (GTP binding protein 3, mitochondrial; plus strand). Cytogenetic location: 19p13.11.
Variant type: single nucleotide variant.
Coding change: c.1A>G on transcript NM_032620.4 (MANE Select); coding-DNA position 1, A replaced by G.
Protein change: p.Met1Val; changes the start codon (methionine 1).
Molecular consequence: missense variant, initiator codon variant. On other transcripts: intron variant (1).
Genome position (GRCh38, 1-based): chr19:17,337,612, A>G. VCF-style: chr19-17337612-A-G. GRCh37 (hg19) VCF-style: chr19-17448421-A-G.
Other names: c.1A>G, p.Met1Val (NM_001128855.3, NM_133644.4); c.120-396A>G (NM_001195422.1); short protein forms M1V.
Identifiers: ClinVar variation 3676155 (VCV003676155.2).

ClinVar aggregate classification (germline): Pathogenic (1 of 4 stars; one submission).

Submission:

Labcorp Genetics (formerly Invitae), Labcorp
Classification: Pathogenic. Last evaluated: 2024-10-09. Review status: criteria provided, single submitter. Criteria: Invitae Variant Classification Sherloc (09022015). Collection method: clinical testing. Allele origin: germline.
Comment: This sequence change affects the initiator methionine of the GTPBP3 mRNA. The next in-frame methionine is located at codon 367. This variant is not present in population databases (gnomAD no frequency). This variant has not been reported in the literature in individuals affected with GTPBP3-related conditions. This variant disrupts a region of the GTPBP3 protein in which other variant(s) (p.Gln262Pro) have been determined to be pathogenic (PMID: 34276756, 36980825). This suggests that this is a clinically significant region of the protein, and that variants that disrupt it are likely to be disease-causing. For these reasons, this variant has been classified as Pathogenic.

Literature cited by the submitters: PubMed 34276756; PubMed 36980825.